The following is an entry in ClinVar:

ClinVar aggregate classification (germline): Uncertain significance (1 of 4 stars; one submission).

Submission:

Dasa
Classification: Uncertain significance. Last evaluated: 2025-08-06. Review status: criteria provided, single submitter. Criteria: DASA Assertion Criteria. Collection method: clinical testing. Allele origin: germline.
Comment: NM_182914.3(SYNE2):c.20309A>C (p.His6770Pro) is a missense variant that results in the substitution of histidine with proline. This variant is absent from population databases. The currently available literature and clinical evidence are not sufficient to establish a definitive association between this variant and the reported condition. Therefore, this variant is classified as a variant of uncertain significance.

NM_182914.3(SYNE2):c.20309A>C (p.His6770Pro)

Gene: SYNE2 (spectrin repeat containing nuclear envelope protein 2; plus strand). Cytogenetic location: 14q23.2.
Variant type: single nucleotide variant.
Coding change: c.20309A>C on transcript NM_182914.3 (MANE Select); coding-DNA position 20309, A replaced by C.
Protein change: p.His6770Pro; replaces histidine 6770 with proline.
Molecular consequence: missense variant.
Genome position (GRCh38, 1-based): chr14:64,223,307, A>C. VCF-style: chr14-64223307-A-C. GRCh37 (hg19) VCF-style: chr14-64690025-A-C.
Other names: c.20240A>C, p.His6747Pro (NM_015180.6); c.875A>C, p.His292Pro (NM_182910.2); c.1253A>C, p.His418Pro (NM_182913.4); short protein forms H292P, H418P, H6747P, H6770P.
Identifiers: ClinVar variation 4883008 (VCV004883008.2).